The following is an entry in ClinVar:

ClinVar aggregate classification (germline): Uncertain significance. Review status: criteria provided, multiple submitters, no conflicts (2 of 4 stars). 2 submissions from 2 submitters: Uncertain significance (2). Last evaluated 2024-05-29.

Conditions:
Inborn genetic diseases. Identifiers: MedGen C0950123, MeSH D030342.

Allele frequency attached by ClinVar (database versions not stated): ExAC 0.00012.
gnomAD v4.1: 52 of 1,613,878 alleles (0.0032%); highest among the groups gnomAD compares: South Asian, 0.051%; no homozygotes.

Submissions (2):

Ambry Genetics
Classification: Uncertain significance for Inborn genetic diseases. Last evaluated: 2024-05-29. Review status: criteria provided, single submitter. Criteria: Ambry Variant Classification Scheme 2023. Collection method: clinical testing. Allele origin: germline.

Labcorp Genetics (formerly Invitae), Labcorp
Classification: Uncertain significance. Last evaluated: 2024-01-02. Review status: criteria provided, single submitter. Criteria: Invitae Variant Classification Sherloc (09022015). Collection method: clinical testing. Allele origin: germline.
Comment: This sequence change replaces aspartic acid, which is acidic and polar, with valine, which is neutral and non-polar, at codon 3084 of the DNAH9 protein (p.Asp3084Val). This variant is present in population databases (rs577577010, gnomAD 0.08%). This variant has not been reported in the literature in individuals affected with DNAH9-related conditions. ClinVar contains an entry for this variant (Variation ID: 1969132). Advanced modeling of protein sequence and biophysical properties (such as structural, functional, and spatial information, amino acid conservation, physicochemical variation, residue mobility, and thermodynamic stability) performed at Invitae indicates that this missense variant is not expected to disrupt DNAH9 protein function with a negative predictive value of 80%. In summary, the available evidence is currently insufficient to determine the role of this variant in disease. Therefore, it has been classified as a Variant of Uncertain Significance.

NM_001372.4(DNAH9):c.9251A>T (p.Asp3084Val)

Gene: DNAH9 (dynein axonemal heavy chain 9; plus strand). Cytogenetic location: 17p12.
Variant type: single nucleotide variant.
Coding change: c.9251A>T on transcript NM_001372.4 (MANE Select); coding-DNA position 9251, A replaced by T.
Protein change: p.Asp3084Val; replaces aspartic acid 3084 with valine.
Molecular consequence: missense variant.
Genome position (GRCh38, 1-based): chr17:11,834,642, A>T. VCF-style: chr17-11834642-A-T. GRCh37 (hg19) VCF-style: chr17-11737959-A-T.
Other names: c.9251A>T (NM_001372.3); short protein forms D3084V.
Identifiers: ClinVar variation 1969132 (VCV001969132.6), dbSNP rs577577010, ClinGen allele CA8397180.